The following is an entry in ClinVar:

ClinVar aggregate classification (germline): Pathogenic/Likely pathogenic. Review status: criteria provided, multiple submitters, no conflicts (2 of 4 stars). 2 submissions from 2 submitters: Pathogenic (1); Likely pathogenic (1). Last evaluated 2024-02-14.

Conditions:
Retinitis pigmentosa 39 (RP39). Identifiers: Orphanet 791, MedGen C3151138, MONDO:0013436, OMIM 613809.

Allele frequency attached by ClinVar (database versions not stated): gnomAD exomes below 0.00001; TOPMed below 0.00001; gnomAD 0.00001.
gnomAD v4.1: 3 of 1,613,982 alleles (0.00019%); highest among the groups gnomAD compares: African/African-American, 0.0027%; no homozygotes.

Submissions (2):

Baylor Genetics
Classification: Likely pathogenic for Retinitis pigmentosa 39. Last evaluated: 2024-02-14. Review status: criteria provided, single submitter. Criteria: ACMG Guidelines, 2015. Collection method: clinical testing. Allele origin: unknown.

Labcorp Genetics (formerly Invitae), Labcorp
Classification: Pathogenic. Last evaluated: 2023-03-17. Review status: criteria provided, single submitter. Criteria: Invitae Variant Classification Sherloc (09022015). Collection method: clinical testing. Allele origin: germline.
Comment: For these reasons, this variant has been classified as Pathogenic. ClinVar contains an entry for this variant (Variation ID: 2107206). This variant has not been reported in the literature in individuals affected with USH2A-related conditions. This variant is present in population databases (no rsID available, gnomAD 0.003%). This sequence change creates a premature translational stop signal (p.Gln898*) in the USH2A gene. It is expected to result in an absent or disrupted protein product. Loss-of-function variants in USH2A are known to be pathogenic (PMID: 10729113, 10909849, 20507924, 25649381).

Literature cited by the submitters: PubMed 10729113 (cited by Labcorp Genetics (formerly Invitae), Labcorp); PubMed 10909849 (cited by Labcorp Genetics (formerly Invitae), Labcorp); PubMed 20507924 (cited by Labcorp Genetics (formerly Invitae), Labcorp); PubMed 25649381 (cited by Labcorp Genetics (formerly Invitae), Labcorp).

NM_206933.4(USH2A):c.2692C>T (p.Gln898Ter)

Genes: USH2A (usherin; minus strand), LOC122152296 (Sharpr-MPRA regulatory region 8762; plus strand). Cytogenetic location: 1q41.
Variant type: single nucleotide variant.
Coding change: c.2692C>T on transcript NM_206933.4 (MANE Select); coding-DNA position 2692, C replaced by T.
Protein change: p.Gln898Ter; replaces glutamine 898 with a stop codon.
Molecular consequence: nonsense.
Genome position (GRCh38, 1-based): chr1:216,246,702, G>A on the plus strand (C>T on the coding strand, the complement: USH2A is on the minus strand). VCF-style: chr1-216246702-G-A. GRCh37 (hg19) VCF-style: chr1-216420044-G-A.
Other names: c.2692C>T, p.Gln898Ter (NM_007123.6); short protein forms Q898*.
Identifiers: ClinVar variation 2107206 (VCV002107206.4), dbSNP rs1183969284, ClinGen allele CA344864241.